The following is an entry in ClinVar:

NM_000387.6(SLC25A20):c.48del (p.Gly17fs)

Gene: SLC25A20 (solute carrier family 25 member 20; minus strand). Cytogenetic location: 3p21.31.
Variant type: Deletion.
Coding change: c.48del on transcript NM_000387.6 (MANE Select); coding-DNA position 48, one base deleted (C; older notation c.48delC).
Protein change: p.Gly17fs; shifts the reading frame from glycine 17.
Molecular consequence: frameshift variant.
Genome position (GRCh38, 1-based): chr3:48,898,747, G deleted on the plus strand (C on the coding strand, the reverse complement: SLC25A20 is on the minus strand); the first of 2 consecutive G bases (chr3:48,898,747-48,898,748); deleting either gives the same sequence. VCF-style (leftmost placement, unchanged base first): chr3-48898746-CG-C. GRCh37 (hg19) VCF-style: chr3-48936179-CG-C.
Other names: short protein forms G17fs.
Identifiers: ClinVar variation 1377642 (VCV001377642.6), dbSNP rs2106672523, ClinGen allele CA2573137132.

ClinVar aggregate classification (germline): Pathogenic (1 of 4 stars; one submission).

Conditions:
Carnitine acylcarnitine translocase deficiency (CACTD). Identifiers: Orphanet 159, MedGen C0342791, MONDO:0008918, OMIM 212138.

Submission:

Labcorp Genetics (formerly Invitae), Labcorp
Classification: Pathogenic for Carnitine acylcarnitine translocase deficiency. Last evaluated: 2024-11-05. Review status: criteria provided, single submitter. Criteria: Invitae Variant Classification Sherloc (09022015). Collection method: clinical testing. Allele origin: germline.
Comment: This sequence change creates a premature translational stop signal (p.Gly17Alafs*112) in the SLC25A20 gene. It is expected to result in an absent or disrupted protein product. Loss-of-function variants in SLC25A20 are known to be pathogenic (PMID: 25614308). This variant is not present in population databases (gnomAD no frequency). This variant has not been reported in the literature in individuals affected with SLC25A20-related conditions. ClinVar contains an entry for this variant (Variation ID: 1377642). For these reasons, this variant has been classified as Pathogenic.

Literature cited by the submitters: PubMed 25614308.